The following is an entry in ClinVar:

NM_016058.5(TPRKB):c.260_263dup (p.Asn88fs)

Gene: TPRKB (TP53RK binding protein; minus strand). Cytogenetic location: 2p13.1.
Variant type: Duplication.
Coding change: c.260_263dup on transcript NM_016058.5 (MANE Select); coding-DNA positions 260 to 263, 4 bases duplicated (ACAA; older notation c.260_263dupACAA).
Protein change: p.Asn88fs; shifts the reading frame from asparagine 88.
Molecular consequence: frameshift variant.
Genome position (GRCh38, 1-based): chr2:73,732,164-73,732,167, TTGT duplicated on the plus strand (ACAA on the coding strand, the reverse complement: TPRKB is on the minus strand); duplicating any 4 consecutive bases within chr2:73,732,164-73,732,168 gives the same sequence; the c. name uses the placement nearest the transcript's 3' end. VCF-style (leftmost placement, unchanged base first): chr2-73732163-A-ATTGT. GRCh37 (hg19) VCF-style: chr2-73959290-A-ATTGT.
Other names: c.377_380dup, p.Asn127fs (NM_001330386.2, NM_001330387.2); c.260_263dup, p.Asn88fs (NM_001330388.2, NM_001330389.2); c.206_209dup, p.Asn70fs (NM_001330390.2); c.161_164dup, p.Asn55fs (NM_001330391.2, NM_001330392.2); short protein forms N70fs, N127fs, N55fs, N88fs.
Identifiers: ClinVar variation 1973923 (VCV001973923.5), dbSNP rs2466047759, ClinGen allele CA2580068167.

ClinVar aggregate classification (germline): Uncertain significance (1 of 4 stars; one submission).

Submission:

Labcorp Genetics (formerly Invitae), Labcorp
Classification: Uncertain significance. Last evaluated: 2023-11-27. Review status: criteria provided, single submitter. Criteria: Invitae Variant Classification Sherloc (09022015). Collection method: clinical testing. Allele origin: germline.
Comment: This sequence change creates a premature translational stop signal (p.Asn88Lysfs*16) in the TPRKB gene. It is expected to result in an absent or disrupted protein product. However, the current clinical and genetic evidence is not sufficient to establish whether loss-of-function variants in TPRKB cause disease. This variant is not present in population databases (gnomAD no frequency). This variant has not been reported in the literature in individuals affected with TPRKB-related conditions. ClinVar contains an entry for this variant (Variation ID: 1973923). In summary, the available evidence is currently insufficient to determine the role of this variant in disease. Therefore, it has been classified as a Variant of Uncertain Significance.